The following is an entry in ClinVar:

ClinVar aggregate classification (germline): Benign/Likely benign. Review status: criteria provided, multiple submitters, no conflicts (2 of 4 stars). 3 submissions from 3 submitters: Benign (1); Likely benign (2). Last evaluated 2025-05-05.

Conditions:
Familial cancer of breast. Also called: BREAST CANCER, FAMILIAL; Hereditary breast cancer; hereditary breast carcinoma. Identifiers: Orphanet 227535, MedGen C0346153, MONDO:0016419, OMIM 114480. Disease mechanism: loss of function.
Hereditary cancer-predisposing syndrome. Also called: Neoplastic Syndromes, Hereditary; Tumor predisposition; Hereditary neoplastic syndrome; Hereditary Cancer Syndrome. Identifiers: Orphanet 140162, MedGen C0027672, MeSH D009386, MONDO:0015356.

Submissions (3):

Labcorp Genetics (formerly Invitae), Labcorp
Classification: Likely benign for Familial cancer of breast. Last evaluated: 2025-05-05. Review status: criteria provided, single submitter. Criteria: Invitae Variant Classification Sherloc (09022015). Collection method: clinical testing. Allele origin: germline.

Myriad Genetics, Inc.
Classification: Benign for Familial cancer of breast. Last evaluated: 2025-01-22. Review status: criteria provided, single submitter. Criteria: Myriad Autosomal Dominant, Autosomal Recessive and X-Linked Classification Criteria (2023). Collection method: clinical testing. Allele origin: unknown.
Comment: This variant is considered benign. This variant is a silent/synonymous amino acid change and it is not expected to impact splicing.

Ambry Genetics
Classification: Likely benign for Hereditary cancer-predisposing syndrome. Last evaluated: 2018-03-13. Review status: criteria provided, single submitter. Criteria: Ambry Variant Classification Scheme 2023. Collection method: clinical testing. Allele origin: germline.

NM_024675.4(PALB2):c.3486G>A (p.Val1162=)

Gene: PALB2 (partner and localizer of BRCA2; minus strand). Cytogenetic location: 16p12.2.
Variant type: single nucleotide variant.
Coding change: c.3486G>A on transcript NM_024675.4 (MANE Select); coding-DNA position 3486, G replaced by A.
Protein change: p.Val1162=; no amino-acid change (valine 1162 retained).
Molecular consequence: synonymous variant.
Genome position (GRCh38, 1-based): chr16:23,603,534, C>T on the plus strand (G>A on the coding strand, the complement: PALB2 is on the minus strand). VCF-style: chr16-23603534-C-T. GRCh37 (hg19) VCF-style: chr16-23614855-C-T.
Identifiers: ClinVar variation 823828 (VCV000823828.8), dbSNP rs1597061958, ClinGen allele CA494173573.